The following is an entry in ClinVar:

NM_005762.3(TRIM28):c.174G>T (p.Ala58=)

Genes: TRIM28 (tripartite motif containing 28; plus strand), LOC130065239 (ATAC-STARR-seq lymphoblastoid silent region 11093; plus strand). Cytogenetic location: 19q13.43.
Variant type: single nucleotide variant.
Coding change: c.174G>T on transcript NM_005762.3 (MANE Select); coding-DNA position 174, G replaced by T.
Protein change: p.Ala58=; no amino-acid change (alanine 58 retained).
Molecular consequence: synonymous variant.
Genome position (GRCh38, 1-based): chr19:58,544,931, G>T. VCF-style: chr19-58544931-G-T. GRCh37 (hg19) VCF-style: chr19-59056298-G-T.
Identifiers: ClinVar variation 3388372 (VCV003388372.16).

ClinVar aggregate classification (germline): Benign/Likely benign. Review status: criteria provided, multiple submitters, no conflicts (2 of 4 stars). 2 submissions from 2 submitters: Benign (1); Likely benign (1). Last evaluated 2025-10-29.

gnomAD v4.1: 199 of 1,440,856 alleles (0.014%); highest among the groups gnomAD compares: Admixed American, 0.061%; 1 homozygote.

Submissions (2):

Labcorp Genetics (formerly Invitae), Labcorp
Classification: Benign. Last evaluated: 2025-10-29. Review status: criteria provided, single submitter. Criteria: Invitae Variant Classification Sherloc (09022015). Collection method: clinical testing. Allele origin: germline.

CeGaT Center for Human Genetics Tuebingen
Classification: Likely benign. Last evaluated: 2024-10-01. Review status: criteria provided, single submitter. Criteria: CeGaT Center For Human Genetics Tuebingen Variant Classification Criteria Version 2. Collection method: clinical testing. Allele origin: germline. Affected: yes. Observed: 1 variant allele.
Comment: TRIM28: BP4, BP7